The following is an entry in ClinVar:

NM_005850.5(SF3B4):c.839C>G (p.Thr280Ser)

Gene: SF3B4 (splicing factor 3b subunit 4; minus strand). Cytogenetic location: 1q21.2.
Variant type: single nucleotide variant.
Coding change: c.839C>G on transcript NM_005850.5 (MANE Select); coding-DNA position 839, C replaced by G.
Protein change: p.Thr280Ser; replaces threonine 280 with serine.
Molecular consequence: missense variant.
Genome position (GRCh38, 1-based): chr1:149,925,910, G>C on the plus strand (C>G on the coding strand, the complement: SF3B4 is on the minus strand). VCF-style: chr1-149925910-G-C. GRCh37 (hg19) VCF-style: chr1-149897802-G-C.
Other names: short protein forms T280S.
Identifiers: ClinVar variation 3648705 (VCV003648705.2).

ClinVar aggregate classification (germline): Uncertain significance (1 of 4 stars; one submission).

Submission:

Labcorp Genetics (formerly Invitae), Labcorp
Classification: Uncertain significance. Last evaluated: 2024-04-08. Review status: criteria provided, single submitter. Criteria: Invitae Variant Classification Sherloc (09022015). Collection method: clinical testing. Allele origin: germline.
Comment: This sequence change replaces threonine, which is neutral and polar, with serine, which is neutral and polar, at codon 280 of the SF3B4 protein (p.Thr280Ser). This variant is not present in population databases (gnomAD no frequency). This variant has not been reported in the literature in individuals affected with SF3B4-related conditions. Experimental studies and prediction algorithms are not available or were not evaluated, and the functional significance of this variant is currently unknown. In summary, the available evidence is currently insufficient to determine the role of this variant in disease. Therefore, it has been classified as a Variant of Uncertain Significance.